The following is an entry in ClinVar:

NM_001330700.2(TOP2B):c.640-3A>C

Gene: TOP2B (DNA topoisomerase II beta; minus strand). Cytogenetic location: 3p24.2.
Variant type: single nucleotide variant.
Coding change: c.640-3A>C on transcript NM_001330700.2 (MANE Select); 3 bases into the intron before coding-DNA position 640, A replaced by C.
Molecular consequence: intron variant.
Genome position (GRCh38, 1-based): chr3:25,636,151, T>G on the plus strand (A>C on the coding strand, the complement: TOP2B is on the minus strand). VCF-style: chr3-25636151-T-G. GRCh37 (hg19) VCF-style: chr3-25677642-T-G.
Other names: c.625-3A>C (NM_001068.3).
Identifiers: ClinVar variation 2975885 (VCV002975885.3), dbSNP rs773573184, ClinGen allele CA2288856.

ClinVar aggregate classification (germline): Uncertain significance (1 of 4 stars; one submission).

Allele frequency attached by ClinVar (database versions not stated): ExAC 0.00003.
gnomAD v4.1: 24 of 1,548,082 alleles (0.0016%); highest among the groups gnomAD compares: Non-Finnish European, 0.0021%; no homozygotes.

Submission:

Labcorp Genetics (formerly Invitae), Labcorp
Classification: Uncertain significance. Last evaluated: 2023-11-03. Review status: criteria provided, single submitter. Criteria: Invitae Variant Classification Sherloc (09022015). Collection method: clinical testing. Allele origin: germline.
Comment: This sequence change falls in intron 6 of the TOP2B gene. It does not directly change the encoded amino acid sequence of the TOP2B protein. It affects a nucleotide within the consensus splice site. This variant is present in population databases (rs773573184, gnomAD 0.002%). This variant has not been reported in the literature in individuals affected with TOP2B-related conditions. Variants that disrupt the consensus splice site are a relatively common cause of aberrant splicing (PMID: 17576681, 9536098). Algorithms developed to predict the effect of sequence changes on RNA splicing suggest that this variant is not likely to affect RNA splicing. In summary, the available evidence is currently insufficient to determine the role of this variant in disease. Therefore, it has been classified as a Variant of Uncertain Significance.

Literature cited by the submitters: PubMed 17576681; PubMed 9536098.